The following is an entry in ClinVar:

ClinVar aggregate classification (germline): Uncertain significance (1 of 4 stars; one submission).

Allele frequency attached by ClinVar (database versions not stated): ExAC 0.00001; gnomAD 0.00001; gnomAD exomes 0.00001 and 0.00003; TOPMed 0.00003.

Submission:

Labcorp Genetics (formerly Invitae), Labcorp
Classification: Uncertain significance. Last evaluated: 2024-10-16. Review status: criteria provided, single submitter. Criteria: Invitae Variant Classification Sherloc (09022015). Collection method: clinical testing. Allele origin: germline.
Comment: This variant, c.1914_1922dup, results in the insertion of 3 amino acid(s) of the COL27A1 protein (p.Leu644_Gly646dup), but otherwise preserves the integrity of the reading frame. This variant is present in population databases (rs759981220, gnomAD 0.002%). This variant has not been reported in the literature in individuals affected with COL27A1-related conditions. ClinVar contains an entry for this variant (Variation ID: 1416122). Experimental studies and prediction algorithms are not available or were not evaluated, and the functional significance of this variant is currently unknown. In summary, the available evidence is currently insufficient to determine the role of this variant in disease. Therefore, it has been classified as a Variant of Uncertain Significance.

NM_032888.4(COL27A1):c.1914_1922dup (p.641LPG[3])

Gene: COL27A1 (collagen type XXVII alpha 1 chain; plus strand). Cytogenetic location: 9q32.
Variant type: Duplication.
Coding change: c.1914_1922dup on transcript NM_032888.4 (MANE Select); coding-DNA positions 1914 to 1922, 9 bases duplicated (CCCTGGGCT; older notation c.1914_1922dupCCCTGGGCT).
Protein change: p.641LPG[3].
Molecular consequence: inframe insertion.
Genome position (GRCh38, 1-based): chr9:114,178,296-114,178,304, CCCTGGGCT duplicated. VCF-style (leftmost placement, unchanged base first): chr9-114178295-C-CCCCTGGGCT. GRCh37 (hg19) VCF-style: chr9-116940575-C-CCCCTGGGCT.
Identifiers: ClinVar variation 1416122 (VCV001416122.5), dbSNP rs759981220, ClinGen allele CA5201532.
Genomic context (GRCh38, chr9:114,178,295, plus strand): 5'-CCATTCTCTGCTGCCAGTGGGCACTGTCTAATGCTGTCTTCTTGTTTTCTCCTCAGGGTC[C>CCCCTGGGCT]CCCTGGGCTACCTGGGCTACCTGGAATCCCTGGTGCACGTGGGCCTCGGGTGAGTTATCT-3'